The following is an entry in ClinVar:

ClinVar aggregate classification (germline): Uncertain significance (1 of 4 stars; one submission).

gnomAD v4.1: 2 of 1,477,074 alleles (0.00014%); highest among the groups gnomAD compares: Non-Finnish European, 0.00018%; no homozygotes.

Submission:

Ambry Genetics
Classification: Uncertain significance. Last evaluated: 2026-05-16. Review status: criteria provided, single submitter. Criteria: Ambry Variant Classification Scheme 2023. Collection method: clinical testing. Allele origin: germline.
Comment: The p.P144R variant (also known as c.431C>G), located in coding exon 1 of the EGLN1 gene, results from a C to G substitution at nucleotide position 431. The proline at codon 144 is replaced by arginine, an amino acid with dissimilar properties. This amino acid position is conserved. In addition, this alteration is predicted to be tolerated by in silico analysis. Based on the available evidence, the clinical significance of this variant remains unclear.

NM_022051.3(EGLN1):c.431C>G (p.Pro144Arg)

Gene: EGLN1 (egl-9 family hypoxia inducible factor 1; minus strand). Cytogenetic location: 1q42.2.
Variant type: single nucleotide variant.
Coding change: c.431C>G on transcript NM_022051.3 (MANE Select); coding-DNA position 431, C replaced by G.
Protein change: p.Pro144Arg; replaces proline 144 with arginine.
Molecular consequence: missense variant.
Genome position (GRCh38, 1-based): chr1:231,421,458, G>C on the plus strand (C>G on the coding strand, the complement: EGLN1 is on the minus strand). VCF-style: chr1-231421458-G-C. GRCh37 (hg19) VCF-style: chr1-231557204-G-C.
Other names: c.431C>G, p.Pro144Arg (NM_001377260.1, NM_001377261.1); short protein forms P144R.
Identifiers: ClinVar variation 4870324 (VCV004870324.1).